The following is an entry in ClinVar:

NM_004525.3(LRP2):c.1328C>G (p.Thr443Ser)

Gene: LRP2 (LDL receptor related protein 2; minus strand). Cytogenetic location: 2q31.1.
Variant type: single nucleotide variant.
Coding change: c.1328C>G on transcript NM_004525.3 (MANE Select); coding-DNA position 1328, C replaced by G.
Protein change: p.Thr443Ser; replaces threonine 443 with serine.
Molecular consequence: missense variant.
Genome position (GRCh38, 1-based): chr2:169,280,363, G>C on the plus strand (C>G on the coding strand, the complement: LRP2 is on the minus strand). VCF-style: chr2-169280363-G-C. GRCh37 (hg19) VCF-style: chr2-170136873-G-C.
Other names: short protein forms T443S.
Identifiers: ClinVar variation 4992429 (VCV004992429.1).
Genomic context (GRCh38, chr2:169,280,363, plus strand): 5'-ACACTTTGTGCTCAGGGTTCCATTCAGCTACTGAAATTTCTATTTACCTTATTTTGCACG[G>C]TGTCTGTCCAAAAAACTCTTTGCAGGTGATAGTGGAAAGCCACACCCACGGCCACTCCAC-3'
Protein context (NP_004516.2, residues 433-453): YHLQRVFWTD[Thr443Ser]VQNKVFSVDI

ClinVar aggregate classification (germline): Uncertain significance (1 of 4 stars; one submission).

Conditions:
LRP2-related disorder. Also called: LRP2-related condition.

Submission:

PreventionGenetics, part of Exact Sciences
Classification: Uncertain significance for LRP2-related condition. Last evaluated: 2025-11-18. Review status: criteria provided, single submitter. Criteria: ACMG Guidelines, 2015. Collection method: clinical testing. Allele origin: germline.
Comment: The LRP2 c.1328C>G variant is predicted to result in the amino acid substitution p.Thr443Ser. To our knowledge, this variant has not been reported in the literature. This variant is absent in a large population database (gnomAD), indicating this variant is rare. At this time, the clinical significance of this variant is uncertain due to the absence of conclusive functional and genetic evidence.